The following is an entry in ClinVar:

NM_001943.5(DSG2):c.1773_1774del (p.Cys591_Glu592delinsTer)

Gene: DSG2 (desmoglein 2; plus strand). Cytogenetic location: 18q12.1.
Variant type: Microsatellite.
Coding change: c.1773_1774del on transcript NM_001943.5 (MANE Select); coding-DNA positions 1773 to 1774, 2 bases deleted (TG; older notation c.1773_1774delTG).
Protein change: p.Cys591_Glu592delinsTer.
Molecular consequence: nonsense.
Genome position (GRCh38, 1-based): chr18:31,538,872-31,538,873, TG deleted; deleting any 2 consecutive bases within chr18:31,538,870-31,538,873 gives the same sequence; the c. name uses the placement nearest the transcript's 3' end. VCF-style (leftmost placement, unchanged base first): chr18-31538869-TTG-T. GRCh37 (hg19) VCF-style: chr18-29118832-TTG-T.
Other names: p.C591X:TGT>TGA; c.1773_1774delTG (NM_001943.3).
Identifiers: ClinVar variation 44286 (VCV000044286.13), dbSNP rs397516703, ClinGen allele CA021547.
Genomic context (GRCh38, chr18:31,538,869, plus strand): 5'-CCTGATTTCAGACAATCAGGGTTTTAGTTGTCCTGAAAAGCAGGTCCTTACACTCACAGT[TTG>T]TGAGTGTCTGCATGGCAGCGGCTGCAGGGAAGCACAGCATGACTCCTATGTGGGCCTGGG-3'

ClinVar aggregate classification (germline): Conflicting classifications of pathogenicity. Review status: criteria provided, conflicting classifications (1 of 4 stars). 7 submissions from 7 submitters: Pathogenic (6); Uncertain significance (1). Last evaluated 2026-01-27.

Conditions:
Cardiovascular phenotype. Identifiers: MedGen CN230736.
Arrhythmogenic right ventricular cardiomyopathy (ARVD). Also called: Arrhythmogenic right ventricular dysplasia; Arrhythmogenic cardiomyopathy; Arrhythmogenic Right Ventricular Cardiomyopathy (ARVC); Cardiomyopathy, ARVC. Identifiers: Orphanet 247, MedGen C0349788, MeSH D019571, MONDO:0016587. Disease mechanism: loss of function. Inheritance: Various modes of inheritance.
Arrhythmogenic right ventricular dysplasia 10. Also called: ARRHYTHMOGENIC RIGHT VENTRICULAR DYSPLASIA, FAMILIAL, 10; Arrhythmogenic Right Ventricular Dysplasia/Cardiomyopathy10; Arrhythmogenic right ventricular dysplasia/cardiomyopathy, type 10. Identifiers: MedGen C1857777, MONDO:0012434, OMIM 610193.

Submissions (7):

Labcorp Genetics (formerly Invitae), Labcorp
Classification: Pathogenic for Arrhythmogenic right ventricular dysplasia 10. Last evaluated: 2026-01-27. Review status: criteria provided, single submitter. Criteria: Invitae Variant Classification Sherloc (09022015). Collection method: clinical testing. Allele origin: germline.
Comment: This sequence change creates a premature translational stop signal (p.Cys591*) in the DSG2 gene. It is expected to result in an absent or disrupted protein product. Loss-of-function variants in DSG2 are known to be pathogenic (PMID: 17105751, 31386562). This variant is present in population databases (rs774105846, gnomAD 0.0009%). This premature translational stop signal has been observed in individual(s) with clinical features of DSG2-related conditions (PMID: 17105751). ClinVar contains an entry for this variant (Variation ID: 44286). For these reasons, this variant has been classified as Pathogenic.

Variantyx, Inc.
Classification: Pathogenic for Arrhythmogenic right ventricular dysplasia 10. Last evaluated: 2025-12-23. Review status: criteria provided, single submitter. Criteria: Variantyx Assertion Criteria 2022. Collection method: clinical testing. Allele origin: germline. Inheritance: Autosomal dominant inheritance. Affected: yes.
Comment: This is a frameshift variant in the DSG2 gene (OMIM: 125671). Pathogenic variants in this gene have been associated with autosomal dominant arrhythmogenic right ventricular dysplasia 10. This variant introduces a premature termination codon in exon 12 out of 15 and is expected to result in loss of function, which is a known disease mechanism for DSG2 in this disorder (PMID: 17105751, 25157032, 31386562) (PVS1). This variant has been reported in at least 4 unrelated affected individuals (PMID: 17105751, 19279339, 21606390) (PS4_Moderate) and has a 0.0008% maximum allele frequency in non-founder control populations (PM2). Inheritance from an unaffected or mildly affected parent has been reported in the DSG2 gene, consistent with incomplete penetrance and/or variable expressivity (PMID: 34135346). Based on the current evidence, this variant is classified as pathogenic for autosomal dominant arrhythmogenic right ventricular dysplasia 10.

Ambry Genetics
Classification: Pathogenic for Cardiovascular phenotype. Last evaluated: 2025-01-03. Review status: criteria provided, single submitter. Criteria: Ambry Variant Classification Scheme 2023. Collection method: clinical testing. Allele origin: germline.
Comment: The c.1773_1774delTG pathogenic mutation, located in coding exon 12 of the DSG2 gene, results from a deletion of two nucleotides at nucleotide positions 1773 to 1774, causing a translational frameshift with a predicted alternate stop codon (p.C591*). This variant was reported in individual(s) with features consistent with arrhythmogenic right ventricular cardiomyopathy (ARVC) (Syrris P et al. Eur Heart J, 2007 Mar;28:581-8; Brun F et al. J Med Genet, 2014 Oct;51:669-76). This variant is considered to be rare based on population cohorts in the Genome Aggregation Database (gnomAD). In addition to the clinical data presented in the literature, this alteration is expected to result in loss of function by premature protein truncation or nonsense-mediated mRNA decay. As such, this alteration is interpreted as a disease-causing mutation.

All of Us Research Program, National Institutes of Health
Classification: Uncertain significance for Arrhythmogenic right ventricular cardiomyopathy. Last evaluated: 2023-12-18. Review status: criteria provided, single submitter. Criteria: ACMG Guidelines, 2015. Collection method: clinical testing. Allele origin: germline. Inheritance: Autosomal dominant inheritance. Observed: 2 variant alleles, 2 heterozygotes.
Comment: This variant deletes 2 nucleotides in exon 12 of the DSG2 gene, creating a frameshift and premature translation stop signal. This variant is expected to result in an absent or non-functional protein product. To our knowledge, functional studies have not been reported for this variant. This variant has been reported in at least three unrelated individuals affected with arrhythmogenic cardiomyopathy (PMID: 17105751, 19095136, 25157032) and has been shown to segregate with disease in two families (PMID: 17105751, 25157032). This variant has been identified in 1/249168 chromosomes in the general population by the Genome Aggregation Database (gnomAD). Although there is a suspicion that this variant may be associated with disease, additional studies are necessary to determine the role of this variant in disease conclusively. Therefore, this variant is classified as a Variant of Uncertain Significance.

This study involves interpretation of variants in research participants for the purpose of population health screening. Participant phenotype was not available at the time of variant classification. Additional details can be found in publication PMID: 35346344, PMCID: PMC8962531

AiLife Diagnostics
Classification: Pathogenic. Last evaluated: 2022-01-19. Review status: criteria provided, single submitter. Criteria: ACMG Guidelines, 2015. Collection method: clinical testing. Allele origin: germline. Affected: yes. Observed: 1 variant allele.

GeneDx
Classification: Pathogenic. Last evaluated: 2021-07-12. Review status: criteria provided, single submitter. Criteria: GeneDx Variant Classification Process June 2021. Collection method: clinical testing. Allele origin: germline. Affected: yes.
Comment: Not observed at a significant frequency in large population cohorts (Lek et al., 2016); Nonsense variant predicted to result in protein truncation or nonsense mediated decay in a gene for which loss-of-function is a known mechanism of disease; A different nucleotide change (c.1773 T>A) leading to the same nonsense variant has been reported in HGMD (Stenson et al., 2014); This variant is associated with the following publications: (PMID: 27535533, 31402444, 25157032, 21606390, 17105751, 19279339, 19095136)

Laboratory for Molecular Medicine, Mass General Brigham Personalized Medicine
Classification: Pathogenic for Arrhythmogenic right ventricular cardiomyopathy. Last evaluated: 2018-04-23. Review status: criteria provided, single submitter. Criteria: LMM Criteria. Collection method: clinical testing. Allele origin: germline. Inheritance: Autosomal dominant inheritance. Observed: 2 variant alleles.
Comment: proposed classification - variant undergoing re-assessment, contact laboratory

Literature cited by the submitters: PubMed 17105751 (cited by 6 submitters); PubMed 31386562 (cited by Labcorp Genetics (formerly Invitae), Labcorp and Variantyx, Inc.); PubMed 25157032 (cited by 3 submitters); PubMed 19279339 (cited by 3 submitters); PubMed 21606390 (cited by Variantyx, Inc. and Laboratory for Molecular Medicine, Mass General Brigham Personalized Medicine); PubMed 19095136 (cited by 3 submitters); PubMed 34135346 (cited by AiLife Diagnostics); PubMed 33087929 (cited by AiLife Diagnostics); PubMed 31402444 (cited by AiLife Diagnostics).